The following is an entry in ClinVar:

NM_000321.3(RB1):c.1085T>C (p.Leu362Pro)

Gene: RB1 (RB transcriptional corepressor 1; plus strand). Cytogenetic location: 13q14.2.
Variant type: single nucleotide variant.
Coding change: c.1085T>C on transcript NM_000321.3 (MANE Select); coding-DNA position 1085, T replaced by C.
Protein change: p.Leu362Pro; replaces leucine 362 with proline.
Molecular consequence: missense variant.
Genome position (GRCh38, 1-based): chr13:48,368,562, T>C. VCF-style: chr13-48368562-T-C. GRCh37 (hg19) VCF-style: chr13-48942698-T-C.
Other names: short protein forms L362P.
Identifiers: ClinVar variation 1429464 (VCV001429464.8), dbSNP rs1566194740, ClinGen allele CA388161210.
Genomic context (GRCh38, chr13:48,368,562, plus strand): 5'-AATGACTTCACTTATTGTTATTTAGTTTTGAAACACAGAGAACACCACGAAAAAGTAACC[T>C]TGATGAAGAGGTGAATGTAATTCCTCCACACACTCCAGTTAGGTATGAATTTTCCTACTT-3'
Protein context (NP_000312.2, residues 352-372): ETQRTPRKSN[Leu362Pro]DEEVNVIPPH

ClinVar aggregate classification (germline): Uncertain significance (1 of 4 stars; one submission).

Conditions:
Retinoblastoma (RB1). Also called: RETINOBLASTOMA, SOMATIC. Identifiers: Orphanet 790, MedGen C0035335, MeSH D012175, MONDO:0008380, OMIM 180200, HP:0009919. Disease mechanism: loss of function. Inheritance: Both sporadic and heritable forms are tested..

Allele frequency attached by ClinVar (database versions not stated): gnomAD exomes below 0.00001 and 0.00001; gnomAD 0.00001.
gnomAD v4.1: 14 of 1,613,456 alleles (0.00087%); highest among the groups gnomAD compares: East Asian, 0.0067%; no homozygotes.

Submission:

Labcorp Genetics (formerly Invitae), Labcorp
Classification: Uncertain significance for Retinoblastoma. Last evaluated: 2025-10-10. Review status: criteria provided, single submitter. Criteria: Invitae Variant Classification Sherloc (09022015). Collection method: clinical testing. Allele origin: germline.
Comment: This sequence change replaces leucine, which is neutral and non-polar, with proline, which is neutral and non-polar, at codon 362 of the RB1 protein (p.Leu362Pro). This variant is present in population databases (no rsID available, gnomAD 0.004%). This variant has not been reported in the literature in individuals affected with RB1-related conditions. ClinVar contains an entry for this variant (Variation ID: 1429464). Invitae Evidence Modeling of protein sequence and biophysical properties (such as structural, functional, and spatial information, amino acid conservation, physicochemical variation, residue mobility, and thermodynamic stability) indicates that this missense variant is not expected to disrupt RB1 protein function with a negative predictive value of 80%. In summary, the available evidence is currently insufficient to determine the role of this variant in disease. Therefore, it has been classified as a Variant of Uncertain Significance.